The following is an entry in ClinVar:

ClinVar aggregate classification (germline): Pathogenic (1 of 4 stars; one submission).

Conditions:
Fraser syndrome 1 (FRASRS1). Also called: CRYPTOPHTHALMOS WITH OTHER MALFORMATIONS. Identifiers: Orphanet 2052, MedGen C4551480, MONDO:0054737, OMIM 219000.

Submission:

Victorian Clinical Genetics Services, Murdoch Childrens Research Institute
Classification: Pathogenic for Fraser syndrome 1. Last evaluated: 2024-10-10. Review status: criteria provided, single submitter. Criteria: ACMG Guidelines, 2015. Collection method: clinical testing. Allele origin: germline. Inheritance: Autosomal recessive inheritance. Affected: yes.
Comment: Based on the classification scheme VCGS_Germline_v1.3.5, this variant is classified as Pathogenic. Following criteria are met: 0102 - Loss of function is a known mechanism of disease in this gene and is associated with Fraser syndrome 1 (MIM#219000). (I) 0106 - This gene is associated with autosomal recessive disease. (I) 0115 - Variants in this gene are known to have variable expressivity, with intrafamilial variability reported (PMID: 35595450). (I) 0201 - Variant is predicted to cause nonsense-mediated decay (NMD) and loss of protein (premature termination codon is located at least 54 nucleotides upstream of the final exon-exon junction). (SP) 0252 - This variant is homozygous. (I) 0301 - Variant is absent from gnomAD (v2, v3 and v4). (SP) 0701 - Other NMD-predicted variants comparable to the one identified in this case have very strong previous evidence for pathogenicity (DECIPHER). (SP) 0807 - This variant has no previous evidence of pathogenicity. (I) 0905 - No published segregation evidence has been identified for this variant. (I) 1007 - No published functional evidence has been identified for this variant. (I) 1209 - This variant has been shown to be both maternally and paternally inherited (biallelic). (I) Legend: (SP) - Supporting pathogenic, (I) - Information, (SB) - Supporting benign

Literature cited by the submitters: PubMed 35595450.

NM_025074.7(FRAS1):c.9525T>A (p.Tyr3175Ter)

Gene: FRAS1 (Fraser extracellular matrix complex subunit 1; plus strand). Cytogenetic location: 4q21.21.
Variant type: single nucleotide variant.
Coding change: c.9525T>A on transcript NM_025074.7 (MANE Select); coding-DNA position 9525, T replaced by A.
Protein change: p.Tyr3175Ter; replaces tyrosine 3175 with a stop codon.
Molecular consequence: nonsense.
Genome position (GRCh38, 1-based): chr4:78,508,751, T>A. VCF-style: chr4-78508751-T-A. GRCh37 (hg19) VCF-style: chr4-79429905-T-A.
Other names: short protein forms Y3175*.
Identifiers: ClinVar variation 3377086 (VCV003377086.1).